The following is an entry in ClinVar:

NM_000503.6(EYA1):c.1236dup (p.Ala413fs)

Gene: EYA1 (EYA transcriptional coactivator and phosphatase 1; minus strand). Cytogenetic location: 8q13.3.
Variant type: Duplication.
Coding change: c.1236dup on transcript NM_000503.6 (MANE Select); coding-DNA position 1236, one base duplicated (A; older notation c.1236dupA).
Protein change: p.Ala413fs; shifts the reading frame from alanine 413.
Molecular consequence: frameshift variant.
Genome position (GRCh38, 1-based): chr8:71,216,816, T duplicated on the plus strand (A on the coding strand, the reverse complement: EYA1 is on the minus strand). VCF-style (leftmost placement, unchanged base first): chr8-71216815-C-CT. GRCh37 (hg19) VCF-style: chr8-72129050-C-CT.
Other names: c.1218dup, p.Ala407fs (NM_001288574.2, NM_172059.5); c.870dup, p.Ala291fs (NM_001288575.2); c.1323dup, p.Ala442fs (NM_001370333.1); c.1236dup, p.Ala413fs (NM_001370334.1, NM_001370335.1, NM_172058.4); c.1215dup, p.Ala406fs (NM_001370336.1); short protein forms A291fs, A406fs, A407fs, A442fs, A413fs.
Identifiers: ClinVar variation 1458401 (VCV001458401.6), dbSNP rs2128854105, ClinGen allele CA2573143311.

ClinVar aggregate classification (germline): Pathogenic (1 of 4 stars; one submission).

Conditions:
Melnick-Fraser syndrome (BOR). Also called: Branchio-oto-renal syndrome; Branchiootorenal Syndrome (BORS); Branchiootorenal syndrome. Identifiers: Orphanet 107, MedGen C0265234, MONDO:0007029.

Submission:

Labcorp Genetics (formerly Invitae), Labcorp
Classification: Pathogenic for Melnick-Fraser syndrome. Last evaluated: 2021-03-30. Review status: criteria provided, single submitter. Criteria: Invitae Variant Classification Sherloc (09022015). Collection method: clinical testing. Allele origin: germline.
Comment: For these reasons, this variant has been classified as Pathogenic. This variant has not been reported in the literature in individuals with EYA1-related conditions. This variant is not present in population databases (ExAC no frequency). This sequence change creates a premature translational stop signal (p.Ala413Serfs*5) in the EYA1 gene. It is expected to result in an absent or disrupted protein product. Loss-of-function variants in EYA1 are known to be pathogenic (PMID: 10464653, 18220287).

Literature cited by the submitters: PubMed 10464653; PubMed 18220287.